The following is an entry in ClinVar:

NM_000051.4(ATM):c.8940T>G (p.Leu2980=)

Genes: ATM (ATM serine/threonine kinase; plus strand), C11orf65 (chromosome 11 open reading frame 65; minus strand). Cytogenetic location: 11q22.3.
Variant type: single nucleotide variant.
Coding change: c.8940T>G on transcript NM_000051.4 (MANE Select); coding-DNA position 8940, T replaced by G.
Protein change: p.Leu2980=; no amino-acid change (leucine 2980 retained).
Molecular consequence: synonymous variant. On other transcripts: intron variant (2).
Genome position (GRCh38, 1-based): chr11:108,365,171, T>G. VCF-style: chr11-108365171-T-G. GRCh37 (hg19) VCF-style: chr11-108235898-T-G.
Other names: NP_000042.3:p.Leu2980=; c.8940T>G, p.Leu2980= (NM_001351834.2); c.640+20749A>C (NM_001330368.2); c.694+20749A>C (NM_001351110.2).
Identifiers: ClinVar variation 230160 (VCV000230160.20), dbSNP rs576335919, ClinGen allele CA10579326.

ClinVar aggregate classification (germline): Benign/Likely benign. Review status: criteria provided, multiple submitters, no conflicts (2 of 4 stars). 6 submissions from 6 submitters: Benign (1); Likely benign (5). Last evaluated 2025-05-04.

Conditions:
Hereditary cancer-predisposing syndrome. Also called: Neoplastic Syndromes, Hereditary; Hereditary neoplastic syndrome; Tumor predisposition; Hereditary Cancer Syndrome. Identifiers: Orphanet 140162, MedGen C0027672, MeSH D009386, MONDO:0015356.
Familial cancer of breast. Also called: hereditary breast carcinoma; Hereditary breast cancer; BREAST CANCER, FAMILIAL. Identifiers: Orphanet 227535, MedGen C0346153, MONDO:0016419, OMIM 114480. Disease mechanism: loss of function.
Ataxia-telangiectasia syndrome (AT). Also called: Ataxia telangiectasia (A-T); Cerebello-oculocutaneous telangiectasia; Immunodeficiency with ataxia telangiectasia; LOUIS-BAR SYNDROME; AT, COMPLEMENTATION GROUP C; ATAXIA-TELANGIECTASIA, FRESNO VARIANT. Identifiers: Orphanet 100, MedGen C0004135, MONDO:0008840, OMIM 208900.
Hereditary breast ovarian cancer syndrome. Also called: BRCA1- and BRCA2-Associated Hereditary Breast and Ovarian Cancer; Hereditary breast and/or ovarian cancer syndrome; Hereditary breast and ovarian cancer syndrome (HBOC); Hereditary breast and ovarian cancer syndrome; Hereditary breast and ovarian cancer; Breast and ovarian cancer. Identifiers: Orphanet 145, MedGen C0677776, MeSH D061325, MONDO:0003582. Disease mechanism: loss of function.

Allele frequency attached by ClinVar (database versions not stated): gnomAD exomes below 0.00001; gnomAD 0.00001; TOPMed 0.00001.
gnomAD v4.1: 10 of 1,614,108 alleles (0.00062%); highest among the groups gnomAD compares: African/African-American, 0.0067%; no homozygotes.

Submissions (6):

Labcorp Genetics (formerly Invitae), Labcorp
Classification: Likely benign for Ataxia-telangiectasia syndrome. Last evaluated: 2025-05-04. Review status: criteria provided, single submitter. Criteria: Invitae Variant Classification Sherloc (09022015). Collection method: clinical testing. Allele origin: germline.

Myriad Genetics, Inc.
Classification: Benign for Familial cancer of breast. Last evaluated: 2024-06-24. Review status: criteria provided, single submitter. Criteria: Myriad Autosomal Dominant, Autosomal Recessive and X-Linked Classification Criteria (2023). Collection method: clinical testing. Allele origin: unknown.
Comment: This variant is considered benign. This variant is a silent/synonymous amino acid change and it is not expected to impact splicing.

National Health Laboratory Service, Universitas Academic Hospital and University of the Free State
Classification: Likely benign for Hereditary breast ovarian cancer syndrome. Last evaluated: 2022-04-19. Review status: criteria provided, single submitter. Criteria: ACMG Guidelines, 2015. Collection method: clinical testing. Allele origin: germline. Affected: yes. Observed: 1 variant allele.

Sema4
Classification: Likely benign for Hereditary cancer-predisposing syndrome. Last evaluated: 2021-03-05. Review status: criteria provided, single submitter. Criteria: Sema4 Curation Guidelines. Collection method: curation. Allele origin: germline.

Color Diagnostics, LLC DBA Color Health
Classification: Likely benign for Hereditary cancer-predisposing syndrome. Last evaluated: 2019-07-18. Review status: criteria provided, single submitter. Criteria: ACMG Guidelines, 2015. Collection method: clinical testing. Allele origin: germline.

Ambry Genetics
Classification: Likely benign for Hereditary cancer-predisposing syndrome. Last evaluated: 2015-01-15. Review status: criteria provided, single submitter. Criteria: Ambry Variant Classification Scheme 2023. Collection method: clinical testing. Allele origin: germline.